The following is an entry in ClinVar:

NM_000238.4(KCNH2):c.2793G>A (p.Pro931=)

Gene: KCNH2 (potassium voltage-gated channel subfamily H member 2; minus strand). Cytogenetic location: 7q36.1.
Variant type: single nucleotide variant.
Coding change: c.2793G>A on transcript NM_000238.4 (MANE Select); coding-DNA position 2793, G replaced by A.
Protein change: p.Pro931=; no amino-acid change (proline 931 retained).
Molecular consequence: synonymous variant.
Genome position (GRCh38, 1-based): chr7:150,947,778, C>T on the plus strand (G>A on the coding strand, the complement: KCNH2 is on the minus strand). VCF-style: chr7-150947778-C-T. GRCh37 (hg19) VCF-style: chr7-150644866-C-T.
Other names: c.1773G>A, p.Pro591= (NM_172057.3).
Identifiers: ClinVar variation 909709 (VCV000909709.20), dbSNP rs200976506, ClinGen allele CA169072570.

ClinVar aggregate classification (germline): Conflicting classifications of pathogenicity. Review status: criteria provided, conflicting classifications (1 of 4 stars). 5 submissions from 5 submitters: Uncertain significance (2); Likely benign (3). Last evaluated 2025-06-29.

Conditions:
Cardiac arrhythmia. Also called: Arrhythmia; Cardiac rhythm disease. Identifiers: MedGen C0003811, MONDO:0007263, HP:0011675.
Cardiovascular phenotype. Identifiers: MedGen CN230736.
Long QT syndrome 2 (LQT2). Identifiers: Orphanet 101016, Orphanet 768, MedGen C3150943, MONDO:0013367, OMIM 613688.
Long QT syndrome (LQTS). Identifiers: MedGen C0023976, MeSH D008133, MONDO:0002442. Disease mechanism: loss of function. Inheritance: Various modes of inheritance.

Allele frequency attached by ClinVar (database versions not stated): gnomAD exomes 0.00001 and 0.00002; gnomAD 0.00003 and 0.00004; TOPMed 0.00005; 1000 Genomes Project 30x 0.00016; 1000 Genomes Project 0.00020.
gnomAD v4.1: 26 of 1,537,064 alleles (0.0017%); highest among the groups gnomAD compares: African/African-American, 0.0055%; no homozygotes.

Submissions (5):

Labcorp Genetics (formerly Invitae), Labcorp
Classification: Likely benign for Long QT syndrome. Last evaluated: 2025-06-29. Review status: criteria provided, single submitter. Criteria: Invitae Variant Classification Sherloc (09022015). Collection method: clinical testing. Allele origin: germline.

Ambry Genetics
Classification: Uncertain significance for Cardiovascular phenotype. Last evaluated: 2025-03-21. Review status: criteria provided, single submitter. Criteria: Ambry Variant Classification Scheme 2023. Collection method: clinical testing. Allele origin: germline.
Comment: The c.2793G>A variant (also known as p.P931P), located in coding exon 12 of the KCNH2 gene, results from a G to A substitution at nucleotide position 2793. This nucleotide substitution does not change the amino acid at codon 931. This nucleotide position is poorly conserved in available vertebrate species. In silico splice site analysis for this alteration is inconclusive. Based on the available evidence, the clinical significance of this variant remains unclear.

All of Us Research Program, National Institutes of Health
Classification: Likely benign for Long QT syndrome. Last evaluated: 2023-09-17. Review status: criteria provided, single submitter. Criteria: ACMG Guidelines, 2015. Collection method: clinical testing. Allele origin: germline. Inheritance: Autosomal dominant inheritance. Observed: 3 variant alleles, 3 heterozygotes.
Comment: This study involves interpretation of variants in research participants for the purpose of population health screening. Participant phenotype was not available at the time of variant classification. Additional details can be found in publication PMID: 35346344, PMCID: PMC8962531

Color Diagnostics, LLC DBA Color Health
Classification: Likely benign for Cardiac arrhythmia. Last evaluated: 2022-11-06. Review status: criteria provided, single submitter. Criteria: ACMG Guidelines, 2015. Collection method: clinical testing. Allele origin: germline.

Illumina Laboratory Services, Illumina
Classification: Uncertain significance for Long QT syndrome 2. Last evaluated: 2018-01-12. Review status: criteria provided, single submitter. Criteria: ICSL Variant Classification Criteria 13 December 2019. Collection method: clinical testing. Allele origin: germline.